The following is an entry in ClinVar:

NM_014874.4(MFN2):c.2119C>T (p.Arg707Trp)

Gene: MFN2 (mitofusin 2; plus strand). Cytogenetic location: 1p36.22.
Variant type: single nucleotide variant.
Coding change: c.2119C>T on transcript NM_014874.4 (MANE Select); coding-DNA position 2119, C replaced by T.
Protein change: p.Arg707Trp; replaces arginine 707 with tryptophan.
Molecular consequence: missense variant.
Genome position (GRCh38, 1-based): chr1:12,009,641, C>T. VCF-style: chr1-12009641-C-T. GRCh37 (hg19) VCF-style: chr1-12069698-C-T.
Other names: p.R707W:CGG>TGG; NM_001127660.1(MFN2):c.2119C>T(p.Arg707Trp); NM_014874.3(MFN2):c.2119C>T(p.Arg707Trp); c.2119C>T (NM_001127660.1); c.2119C>T, p.Arg707Trp (NM_001127660.2); short protein forms R707W.
Identifiers: ClinVar variation 2280 (VCV000002280.89), dbSNP rs119103267, ClinGen allele CA252166.

ClinVar aggregate classification (germline): Pathogenic/Likely pathogenic. Review status: criteria provided, multiple submitters, no conflicts (2 of 4 stars). 33 submissions from 32 submitters: Pathogenic (23); Likely pathogenic (6). 4 of the submissions do not count toward it. Last evaluated 2026-09-15.

Conditions:
Semidominant MFN2-related disorders.
Multiple symmetric lipomatosis. Also called: LIPODYSTROPHY, CEPHALOTHORACIC; Launois-Bensaude syndrome; Madelung's disease; Madelung disease; Benign symmetrical lipomatosis. Identifiers: Orphanet 2398, MedGen C0023804, MONDO:0007908, OMIM 151800.
Charcot-Marie-Tooth disease, axonal, autosomal recessive, type 2a2b;. Also called: Charcot-Marie-Tooth disease, axonal, autosomal recessive, type 2A2B; Charcot-Marie-Tooth disease, axonal, type 2A2B. Identifiers: MedGen C4310725, MONDO:0014906, OMIM 617087.
Charcot-Marie-Tooth disease, type 2A. Identifiers: MedGen C2079538.
Hereditary motor and sensory neuropathy with optic atrophy. Also called: CHARCOT-MARIE-TOOTH DISEASE, TYPE 6; PERIPHERAL NEUROPATHY AND OPTIC ATROPHY. Identifiers: Orphanet 90120, MedGen C0393807, MONDO:0019551.
Neuropathy, hereditary motor and sensory, type 6A (HMSN6A). Also called: NEUROPATHY, HEREDITARY MOTOR AND SENSORY, TYPE VIA; HMSN VIA; CHARCOT-MARIE-TOOTH DISEASE, TYPE 6A; NEUROPATHY, HEREDITARY MOTOR AND SENSORY, TYPE VIA, WITH OPTIC ATROPHY. Identifiers: MedGen CN305336, MONDO:0011002, OMIM 601152.
Charcot-Marie-Tooth disease type 2A2. Also called: CHARCOT-MARIE-TOOTH DISEASE, AXONAL, AUTOSOMAL DOMINANT, TYPE 2A2A; CHARCOT-MARIE-TOOTH DISEASE, AXONAL, TYPE 2A2; CHARCOT-MARIE-TOOTH DISEASE, NEURONAL, TYPE 2A2; Charcot-Marie-Tooth Neuropathy Type 2A2; HEREDITARY MOTOR AND SENSORY NEUROPATHY IIA2; HMSN IIA2. Identifiers: Orphanet 99947, MedGen C4721887, MONDO:0012231, OMIM 609260.
MFN2-related disorder. Also called: MFN2-related disorders; MFN2-related condition.
Charcot-Marie-Tooth disease. Also called: Charcot-Marie-Tooth Hereditary Neuropathy; Charcot-Marie-Tooth Neuropathy. Identifiers: Orphanet 166, MedGen C0007959, MONDO:0015626.
Inborn genetic diseases. Identifiers: MedGen C0950123, MeSH D030342.
Charcot-Marie-Tooth disease type 2. Also called: Charcot-Marie-Tooth type 2. Identifiers: Orphanet 64746, MedGen C0270914, MONDO:0018993.
Peripheral axonal neuropathy. Also called: Axonal neuropathy. Identifiers: MedGen C1263857, MONDO:0004183, HP:0003477.
Tip-toe gait. Also called: Toe walking. Identifiers: MedGen C0427144, HP:0030051.

Allele frequency attached by ClinVar (database versions not stated): 1000 Genomes Project 30x 0.00016; 1000 Genomes Project 0.00020; gnomAD exomes 0.00025 and 0.00047; TOPMed 0.00025; gnomAD 0.00027 and 0.00029; ExAC 0.00033.
gnomAD v4.1: 731 of 1,614,174 alleles (0.045%); highest among the groups gnomAD compares: Non-Finnish European, 0.058%; 1 homozygote.

Submissions 1 to 6 of 33:

GeneDx
Classification: Pathogenic. Last evaluated: 2026-09-15. Review status: criteria provided, single submitter. Criteria: GeneDx Variant Classification Process June 2021. Collection method: clinical testing. Allele origin: germline.
Comment: Functional studies show that R707W alters gene product function and signaling (PMID: 30158064); In silico analysis supports that this missense variant has a deleterious effect on protein structure/function; This variant is associated with the following publications: (PMID: 28492532, 22492563, 25025039, 28251916, 26306937, 24126688, 20350294, 26085578, 26114802, 36722855, 31589614, 31980526, 32376792, 29867446, 32916636, 33502018, 34426522, 29358271, 26392352, 25231362, 35641312, 20008656, MarquesAJ2024[Article], 35305867, 35468369, 38887266, FossdeFreitaMC2023[Abstract], 37536398, 33415332, 28414270, 18458227, 30158064, 39096151, 42496329, 42236346, 41991472, 41208194, 41610323, 42301793)

Wales Gene Park, Division Of Cancer and Genetics, Cardiff University
Classification: Pathogenic for Charcot-Marie-Tooth disease, axonal, autosomal recessive, type 2a2b;. Last evaluated: 2026-04-28. Review status: criteria provided, single submitter. Criteria: ACGS Best Practice Guidelines for Variant Classification in Rare Disease 2024. Collection method: research. Allele origin: unknown. Inheritance: Autosomal recessive inheritance. Study: 100,000 Genomes Project (Wales).
Comment: Common recessive pathogenic MFN2 variant. REVEL score 0.839. PM3 used here as variant has been seen in trans to other pathogenic alleles in multiple patients in literature and ClinVar. Evidence codes: PP3, PM3_very strong, PM2, PS3.

Variantyx, Inc.
Classification: Pathogenic for Semidominant MFN2-related disorders. Last evaluated: 2026-01-21. Review status: criteria provided, single submitter. Criteria: Variantyx Assertion Criteria 2022. Collection method: clinical testing. Allele origin: germline. Inheritance: Semidominant inheritance.
Comment: This is a nonsynonymous variant in the MFN2 gene (OMIM: 608507). Pathogenic variants in this gene have been associated with autosomal semidominant axonal hereditary motor and sensory neuropathy. This variant has been identified in the homozygous or compound heterozygous state in at least 3 individuals reported in the published literature (PMID:26114802, 28414270, 35641312), (PM3). An alternate amino acid change at this position (p.Arg707Pro) have been previously reported in similarly affected individuals, which suggests that this residue is biologically important (PMID:22926664, 22492563) (PM5). Multiple computational algorithms predict a deleterious effect for this variant (REVEL score: 0.839) (PP3) and functional studies have shown that this variant alters MFN2 protein function (PMID:28414270, 26085578) (PS3).This variant has been reported in the heterozygous state in at least 10 unrelated affected individuals (PMID:24126688, 31589614, 31980526, 34426522, 35468369, 38887266, 20350294, 22492563, 34114234). It has a 0.0580% maximum allele frequency in non-founder control populations.Based on the current evidence, this variant is classified as likely pathogenic for autosomal semidominant axonal hereditary motor and sensory neuropathy.

Labcorp Genetics (formerly Invitae), Labcorp
Classification: Pathogenic for Charcot-Marie-Tooth disease type 2. Last evaluated: 2025-12-22. Review status: criteria provided, single submitter. Criteria: Invitae Variant Classification Sherloc (09022015). Collection method: clinical testing. Allele origin: germline.
Comment: This sequence change replaces arginine, which is basic and polar, with tryptophan, which is neutral and slightly polar, at codon 707 of the MFN2 protein (p.Arg707Trp). This variant is present in population databases (rs119103267, gnomAD 0.05%). This missense change has been observed in individual(s) with Charcot-Marie-Tooth disease and/or multiple symmetric lipomatosis and neuropathy (PMID: 18458227, 20008656, 20350294, 22492563, 25025039, 26085578, 26114802, 28251916, 28414270, 30158064, 33415332). In at least one individual the data is consistent with being in trans (on the opposite chromosome) from a pathogenic variant. ClinVar contains an entry for this variant (Variation ID: 2280). Invitae Evidence Modeling of protein sequence and biophysical properties (such as structural, functional, and spatial information, amino acid conservation, physicochemical variation, residue mobility, and thermodynamic stability) has been performed for this missense variant. However, the output from this modeling did not meet the statistical confidence thresholds required to predict the impact of this variant on MFN2 protein function. Experimental studies have shown that this missense change affects MFN2 function (PMID: 26085578). For these reasons, this variant has been classified as Pathogenic.

First Genomix Gene Laboratory, Genetic Diagnostics Department
Classification: Pathogenic for Charcot-Marie-Tooth disease, axonal, autosomal recessive, type 2a2b;; Multiple symmetric lipomatosis. Last evaluated: 2025-06-20. Review status: criteria provided, single submitter. Criteria: ACMG Guidelines, 2015. Collection method: clinical testing. Allele origin: germline. Inheritance: Autosomal recessive inheritance. Affected: no. Observed: 1 variant allele.

Dasa
Classification: Pathogenic. Last evaluated: 2025-05-09. Review status: criteria provided, single submitter. Criteria: DASA Assertion Criteria. Collection method: clinical testing. Allele origin: germline.
Comment: NM_014874.4(MFN2):c.2119C>T (p.Arg707Trp) is a missense variant that results in the substitution of arginine with tryptophan. The affected residue or protein region has prior evidence supporting clinical relevance. Segregation evidence has been reported in affected families. This variant has been observed in affected individuals with related phenotype in a genotype context consistent with recessive disease (PMID: 26114802; PMID: 28251916; PMID: 28414270; PMID: 30158064; PMID: 33415332). Functional evidence supports a deleterious effect on the gene or gene product (PMID: 26114802; PMID: 28251916; PMID: 28414270; PMID: 30158064; PMID: 33415332). This variant has been recurrently observed in individuals with related phenotype (PMID: 26114802; PMID: 28251916; PMID: 28414270; PMID: 30158064; PMID: 33415332). Multiple computational predictions support a deleterious effect on the gene or gene product. The variant is present at low frequency in population datasets. Based on the available data, this variant is classified as pathogenic.